The following is an entry in ClinVar:

ClinVar aggregate classification (germline): Pathogenic (1 of 4 stars; one submission).

Conditions:
Seizures, benign familial infantile, 3 (BFIS3). Also called: CONVULSIONS, BENIGN FAMILIAL INFANTILE, 3; Familial neonatal seizures. Identifiers: Orphanet 140927, Orphanet 306, MedGen C1843140, MONDO:0011904, OMIM 607745.
Developmental and epileptic encephalopathy, 11 (DEE11). Also called: Early infantile epileptic encephalopathy 11. Identifiers: Orphanet 1934, MedGen C3150987, MONDO:0013388, OMIM 613721.

Submission:

Labcorp Genetics (formerly Invitae), Labcorp
Classification: Pathogenic for Seizures, benign familial infantile, 3; Developmental and epileptic encephalopathy, 11. Last evaluated: 2022-10-27. Review status: criteria provided, single submitter. Criteria: Invitae Variant Classification Sherloc (09022015). Collection method: clinical testing. Allele origin: germline.
Comment: For these reasons, this variant has been classified as Pathogenic. This variant has not been reported in the literature in individuals affected with SCN2A-related conditions. This variant is not present in population databases (gnomAD no frequency). This sequence change creates a premature translational stop signal (p.Lys454*) in the SCN2A gene. It is expected to result in an absent or disrupted protein product. Loss-of-function variants in SCN2A are known to be pathogenic (PMID: 28379373).

Literature cited by the submitters: PubMed 28379373.

NM_001040142.2(SCN2A):c.1360A>T (p.Lys454Ter)

Gene: SCN2A (sodium voltage-gated channel alpha subunit 2; plus strand). Cytogenetic location: 2q24.3.
Variant type: single nucleotide variant.
Coding change: c.1360A>T on transcript NM_001040142.2 (MANE Select); coding-DNA position 1360, A replaced by T.
Protein change: p.Lys454Ter; replaces lysine 454 with a stop codon.
Molecular consequence: nonsense.
Genome position (GRCh38, 1-based): chr2:165,314,085, A>T. VCF-style: chr2-165314085-A-T. GRCh37 (hg19) VCF-style: chr2-166170595-A-T.
Other names: c.1360A>T, p.Lys454Ter (NM_001040143.2, NM_001371246.1, NM_001371247.1 and 1 more transcripts); short protein forms K454*.
Identifiers: ClinVar variation 2941061 (VCV002941061.3), dbSNP rs1553569081, ClinGen allele CA349022467.